The following is an entry in ClinVar:

ClinVar aggregate classification (germline): Uncertain significance. Review status: criteria provided, multiple submitters, no conflicts (2 of 4 stars). 2 submissions from 2 submitters: Uncertain significance (2). Last evaluated 2026-09-04.

Conditions:
MC3R-related disorder. Also called: MC3R-related condition.

Allele frequency attached by ClinVar (database versions not stated): ExAC 0.00002; TOPMed 0.00002; 1000 Genomes Project 30x 0.00016; 1000 Genomes Project 0.00020.

Submissions (2):

PreventionGenetics, part of Exact Sciences
Classification: Uncertain significance for MC3R-related condition. Last evaluated: 2026-09-04. Review status: criteria provided, single submitter. Criteria: ACMG Guidelines, 2015. Collection method: clinical testing. Allele origin: germline.
Comment: The MC3R c.446C>T variant is predicted to result in the amino acid substitution p.Ala149Val. This variant has been reported in an individual with obesity (Kleinendorst et al. 2018. PubMed ID: 29970488). An in vitro functional study indicated that the p.Ala149Val change may result in impairment of the canonical MC3R cAMP signaling response (Melvin et al. 2020.). However, in the same study, the p.Ala149Val variant was not associated with obesity. This variant is reported in 0.013% of alleles in individuals of South Asian descent in gnomAD and is interpreted as uncertain in the ClinVar database (Variation ID: 2910466). At this time, the clinical significance of this variant is classified as uncertain due to the absence of conclusive functional and genetic evidence.

Labcorp Genetics (formerly Invitae), Labcorp
Classification: Uncertain significance. Last evaluated: 2023-09-09. Review status: criteria provided, single submitter. Criteria: Invitae Variant Classification Sherloc (09022015). Collection method: clinical testing. Allele origin: germline.
Comment: In summary, the available evidence is currently insufficient to determine the role of this variant in disease. Therefore, it has been classified as a Variant of Uncertain Significance. An algorithm developed to predict the effect of missense changes on protein structure and function (PolyPhen-2) suggests that this variant is likely to be disruptive. This missense change has been observed in individual(s) with obesity (PMID: 29970488). This variant is present in population databases (rs552943206, gnomAD 0.01%). This sequence change replaces alanine, which is neutral and non-polar, with valine, which is neutral and non-polar, at codon 149 of the MC3R protein (p.Ala149Val).

Literature cited by the submitters: PubMed 29970488 (cited by Labcorp Genetics (formerly Invitae), Labcorp).

NM_019888.3(MC3R):c.446C>T (p.Ala149Val)

Gene: MC3R (melanocortin 3 receptor; plus strand). Cytogenetic location: 20q13.2.
Variant type: single nucleotide variant.
Coding change: c.446C>T on transcript NM_019888.3 (MANE Select); coding-DNA position 446, C replaced by T.
Protein change: p.Ala149Val; replaces alanine 149 with valine.
Molecular consequence: missense variant.
Genome position (GRCh38, 1-based): chr20:56,249,289, C>T. VCF-style: chr20-56249289-C-T. GRCh37 (hg19) VCF-style: chr20-54824345-C-T.
Other names: short protein forms A149V.
Identifiers: ClinVar variation 2910466 (VCV002910466.5), dbSNP rs552943206, ClinGen allele CA9917012.
Genomic context (GRCh38, chr20:56,249,289, plus strand): 5'-TGGCCTCCATCTGCAACCTCCTGGCCATCGCCGTCGACAGGTACGTCACCATCTTTTACG[C>T]GCTCCGCTACCACAGCATCATGACCGTGAGGAAGGCCCTCACCTTGATCGTGGCCATCTG-3'
Protein context (NP_063941.3, residues 139-159): AVDRYVTIFY[Ala149Val]LRYHSIMTVR